The following is an entry in ClinVar:

ClinVar aggregate classification (germline): Likely pathogenic (1 of 4 stars; one submission).

Conditions:
Congenital adrenal hyperplasia due to cytochrome P450 oxidoreductase deficiency. Also called: DISORDERED STEROIDOGENESIS DUE TO POR DEFICIENCY. Identifiers: Orphanet 95699, MedGen C1860042, MONDO:0013310, OMIM 613571.

Submission:

Labcorp Genetics (formerly Invitae), Labcorp
Classification: Likely pathogenic for Congenital adrenal hyperplasia due to cytochrome P450 oxidoreductase deficiency. Last evaluated: 2023-11-09. Review status: criteria provided, single submitter. Criteria: Invitae Variant Classification Sherloc (09022015). Collection method: clinical testing. Allele origin: germline.
Comment: This sequence change affects an acceptor splice site in intron 3 of the POR gene. It is expected to disrupt RNA splicing. Variants that disrupt the donor or acceptor splice site typically lead to a loss of protein function (PMID: 16199547), and loss-of-function variants in POR are known to be pathogenic (PMID: 14758361, 20732302, 21741353). This variant is not present in population databases (gnomAD no frequency). This variant has not been reported in the literature in individuals affected with POR-related conditions. Algorithms developed to predict the effect of sequence changes on RNA splicing suggest that this variant may disrupt the consensus splice site. In summary, the currently available evidence indicates that the variant is pathogenic, but additional data are needed to prove that conclusively. Therefore, this variant has been classified as Likely Pathogenic.

Literature cited by the submitters: PubMed 16199547; PubMed 14758361; PubMed 20732302; PubMed 21741353.

NM_001395413.1(POR):c.229-1G>A

Gene: POR (cytochrome p450 oxidoreductase; plus strand). Cytogenetic location: 7q11.23.
Variant type: single nucleotide variant.
Coding change: c.229-1G>A on transcript NM_001395413.1 (MANE Select); the canonical splice acceptor site of the intron before coding-DNA position 229, G replaced by A.
Molecular consequence: splice acceptor variant.
Genome position (GRCh38, 1-based): chr7:75,979,450, G>A. VCF-style: chr7-75979450-G-A. GRCh37 (hg19) VCF-style: chr7-75608768-G-A.
Other names: c.229-1G>A (NM_001382662.3, NM_001382659.3, NM_001367562.3 and 2 more transcripts); c.283-1G>A (NM_001382655.3).
Identifiers: ClinVar variation 2717796 (VCV002717796.3), dbSNP rs2535365951, ClinGen allele CA367747261.